The following is an entry in ClinVar:

NM_014264.5(PLK4):c.1219G>A (p.Val407Met)

Gene: PLK4 (polo like kinase 4; plus strand). Cytogenetic location: 4q28.1.
Variant type: single nucleotide variant.
Coding change: c.1219G>A on transcript NM_014264.5 (MANE Select); coding-DNA position 1219, G replaced by A.
Protein change: p.Val407Met; replaces valine 407 with methionine.
Molecular consequence: missense variant.
Genome position (GRCh38, 1-based): chr4:127,886,589, G>A. VCF-style: chr4-127886589-G-A. GRCh37 (hg19) VCF-style: chr4-128807744-G-A.
Other names: c.1123G>A, p.Val375Met (NM_001190799.2); c.1096G>A, p.Val366Met (NM_001190801.2); short protein forms V366M, V375M, V407M.
Identifiers: ClinVar variation 852480 (VCV000852480.7), dbSNP rs144633592, ClinGen allele CA3076706.

ClinVar aggregate classification (germline): Conflicting classifications of pathogenicity. Review status: criteria provided, conflicting classifications (1 of 4 stars). 3 submissions from 3 submitters: Uncertain significance (2); Likely benign (1). Last evaluated 2025-02-01.

Conditions:
Inborn genetic diseases. Identifiers: MedGen C0950123, MeSH D030342.

Allele frequency attached by ClinVar (database versions not stated): ExAC 0.00001; TOPMed 0.00002; gnomAD exomes 0.00003; ESP Exome Variant Server 0.00008.
gnomAD v4.1: 31 of 1,613,996 alleles (0.0019%); highest among the groups gnomAD compares: Admixed American, 0.0067%; no homozygotes.

Submissions (3):

Ambry Genetics
Classification: Likely benign for Inborn genetic diseases. Last evaluated: 2025-02-01. Review status: criteria provided, single submitter. Criteria: Ambry Variant Classification Scheme 2023. Collection method: clinical testing. Allele origin: germline.

Labcorp Genetics (formerly Invitae), Labcorp
Classification: Uncertain significance. Last evaluated: 2024-10-25. Review status: criteria provided, single submitter. Criteria: Invitae Variant Classification Sherloc (09022015). Collection method: clinical testing. Allele origin: germline.
Comment: This sequence change replaces valine, which is neutral and non-polar, with methionine, which is neutral and non-polar, at codon 407 of the PLK4 protein (p.Val407Met). This variant is present in population databases (rs144633592, gnomAD 0.006%). This variant has not been reported in the literature in individuals affected with PLK4-related conditions. ClinVar contains an entry for this variant (Variation ID: 852480). An algorithm developed to predict the effect of missense changes on protein structure and function outputs the following: PolyPhen-2: "Benign". The methionine amino acid residue is found in multiple mammalian species, which suggests that this missense change does not adversely affect protein function. In summary, the available evidence is currently insufficient to determine the role of this variant in disease. Therefore, it has been classified as a Variant of Uncertain Significance.

Blueprint Genetics
Classification: Uncertain significance. Last evaluated: 2024-05-03. Review status: criteria provided, single submitter. Criteria: ACMG Guidelines, 2015. Collection method: clinical testing. Allele origin: germline.